The following is an entry in ClinVar:

NM_000875.5(IGF1R):c.75C>T (p.Leu25=)

Genes: IGF1R (insulin like growth factor 1 receptor; plus strand), IRAIN (IGF1R antisense imprinted non-protein coding RNA; minus strand). Cytogenetic location: 15q26.3.
Variant type: single nucleotide variant.
Coding change: c.75C>T on transcript NM_000875.5 (MANE Select); coding-DNA position 75, C replaced by T.
Protein change: p.Leu25=; no amino-acid change (leucine 25 retained).
Molecular consequence: synonymous variant. On other transcripts: non-coding transcript variant (1).
Genome position (GRCh38, 1-based): chr15:98,649,656, C>T. VCF-style: chr15-98649656-C-T. GRCh37 (hg19) VCF-style: chr15-99192885-C-T.
Other names: c.75C>T, p.Leu25= (NM_001291858.2).
Identifiers: ClinVar variation 739422 (VCV000739422.32), dbSNP rs749920743, ClinGen allele CA7751714.

ClinVar aggregate classification (germline): Likely benign. Review status: criteria provided, multiple submitters, no conflicts (2 of 4 stars). 2 submissions from 2 submitters: Likely benign (2). Last evaluated 2022-10-01.

Allele frequency attached by ClinVar (database versions not stated): ExAC 0.00001; gnomAD exomes 0.00002.
gnomAD v4.1: 48 of 1,610,114 alleles (0.003%); highest among the groups gnomAD compares: Non-Finnish European, 0.0039%; no homozygotes.

Submissions (2):

CeGaT Center for Human Genetics Tuebingen
Classification: Likely benign. Last evaluated: 2022-10-01. Review status: criteria provided, single submitter. Criteria: CeGaT Center For Human Genetics Tuebingen Variant Classification Criteria Version 2. Collection method: clinical testing. Allele origin: germline. Affected: yes. Observed: 1 variant allele.
Comment: IGF1R: BP4, BP7

Labcorp Genetics (formerly Invitae), Labcorp
Classification: Likely benign. Last evaluated: 2018-06-14. Review status: criteria provided, single submitter. Criteria: Invitae Variant Classification Sherloc (09022015). Collection method: clinical testing. Allele origin: germline.